The following is an entry in ClinVar:

NM_003072.5(SMARCA4):c.4251C>A (p.Ser1417Arg)

Gene: SMARCA4 (SWI/SNF related BAF chromatin remodeling complex subunit ATPase 4; plus strand). Cytogenetic location: 19p13.2.
Variant type: single nucleotide variant.
Coding change: c.4251C>A on transcript NM_003072.5 (MANE Select); coding-DNA position 4251, C replaced by A.
Protein change: p.Ser1417Arg; replaces serine 1417 with arginine.
Molecular consequence: missense variant. On other transcripts: non-coding transcript variant (1).
Genome position (GRCh38, 1-based): chr19:11,041,387, C>A. VCF-style: chr19-11041387-C-A. GRCh37 (hg19) VCF-style: chr19-11152063-C-A.
Other names: c.4251C>A, p.Ser1417Arg (NM_001128844.3); c.4161C>A, p.Ser1387Arg (NM_001128845.2, NM_001128846.2); c.4152C>A, p.Ser1384Arg (NM_001128847.4, NM_001128848.2, NM_001374457.1); c.4347C>A, p.Ser1449Arg (NM_001128849.3, NM_001387283.1); short protein forms S1387R, S1384R, S1417R, S1449R.
Identifiers: ClinVar variation 661681 (VCV000661681.11), dbSNP rs377057304, ClinGen allele CA404073226.
Genomic context (GRCh38, chr19:11,041,387, plus strand): 5'-GGAGGAGATCGAAGAGGAGGTCCGGCAGAAGAAATCATCACGGAAGCGCAAGCGAGACAG[C>A]GACGCCGGCTCCTCCACCCCGACCACCAGCACCCGCAGCCGCGACAAGGACGACGAGAGC-3'
Protein context (NP_003063.2, residues 1407-1427): KKSSRKRKRD[Ser1417Arg]DAGSSTPTTS

ClinVar aggregate classification (germline): Uncertain significance. Review status: criteria provided, multiple submitters, no conflicts (2 of 4 stars). 2 submissions from 2 submitters: Uncertain significance (2). Last evaluated 2023-07-06.

Conditions:
Rhabdoid tumor predisposition syndrome 2 (RTPS2). Identifiers: Orphanet 231108, Orphanet 69077, MedGen C2750074, MONDO:0013224, OMIM 613325.
Hereditary cancer-predisposing syndrome. Also called: Neoplastic Syndromes, Hereditary; Tumor predisposition; Hereditary neoplastic syndrome; Hereditary Cancer Syndrome. Identifiers: Orphanet 140162, MedGen C0027672, MeSH D009386, MONDO:0015356.

Submissions (2):

Labcorp Genetics (formerly Invitae), Labcorp
Classification: Uncertain significance for Rhabdoid tumor predisposition syndrome 2. Last evaluated: 2023-07-06. Review status: criteria provided, single submitter. Criteria: Invitae Variant Classification Sherloc (09022015). Collection method: clinical testing. Allele origin: germline.
Comment: In summary, the available evidence is currently insufficient to determine the role of this variant in disease. Therefore, it has been classified as a Variant of Uncertain Significance. Advanced modeling of protein sequence and biophysical properties (such as structural, functional, and spatial information, amino acid conservation, physicochemical variation, residue mobility, and thermodynamic stability) performed at Invitae indicates that this missense variant is not expected to disrupt SMARCA4 protein function. ClinVar contains an entry for this variant (Variation ID: 661681). This variant has not been reported in the literature in individuals affected with SMARCA4-related conditions. This variant is not present in population databases (gnomAD no frequency). This sequence change replaces serine, which is neutral and polar, with arginine, which is basic and polar, at codon 1449 of the SMARCA4 protein (p.Ser1449Arg).

Ambry Genetics
Classification: Uncertain significance for Hereditary cancer-predisposing syndrome. Last evaluated: 2021-09-14. Review status: criteria provided, single submitter. Criteria: Ambry Variant Classification Scheme 2023. Collection method: clinical testing. Allele origin: germline.
Comment: The p.S1449R variant (also known as c.4347C>A), located in coding exon 30 of the SMARCA4 gene, results from a C to A substitution at nucleotide position 4347. The serine at codon 1449 is replaced by arginine, an amino acid with dissimilar properties. This amino acid position is not well conserved in available vertebrate species. In addition, this alteration is predicted to be tolerated by in silico analysis. Missense and in-frame variants in SMARCA4 are known to cause neurodevelopmental disorders; however, such associations with rhabdoid tumor predisposition syndrome including small cell carcinoma of the ovary-hypercalcemic type (SCCOHT) are exceedingly rare (Kosho T et al. Am J Med Genet C Semin Med Genet. 2014 Sep;166C(3):262-75; Jelinic P et al. Nat Genet. 2014 May;46(5):424-6). Based on the supporting evidence, the association of this alteration with Coffin-Siris syndrome is unknown; however, the association of this alteration with rhabdoid tumor predisposition syndrome is unlikely.